The following is an entry in ClinVar:

NM_000548.5(TSC2):c.4282G>A (p.Ala1428Thr)

Gene: TSC2 (TSC complex subunit 2; plus strand). Cytogenetic location: 16p13.3.
Variant type: single nucleotide variant.
Coding change: c.4282G>A on transcript NM_000548.5 (MANE Select); coding-DNA position 4282, G replaced by A.
Protein change: p.Ala1428Thr; replaces alanine 1428 with threonine.
Molecular consequence: missense variant.
Genome position (GRCh38, 1-based): chr16:2,084,504, G>A. VCF-style: chr16-2084504-G-A. GRCh37 (hg19) VCF-style: chr16-2134505-G-A.
Other names: c.4081G>A, p.Ala1361Thr (NM_001077183.3); c.4213G>A, p.Ala1405Thr (NM_001114382.3); c.3973G>A, p.Ala1325Thr (NM_001318827.2); c.3937G>A, p.Ala1313Thr (NM_001318829.2); c.3550G>A, p.Ala1184Thr (NM_001318831.2); c.4114G>A, p.Ala1372Thr (NM_001318832.2); c.4084G>A, p.Ala1362Thr (NM_001363528.2); c.4150G>A, p.Ala1384Thr (NM_001370404.1); and 2 more; short protein forms A1184T, A1325T, A1428T, A1361T, A1372T, A1405T, A1384T, A1313T.
Identifiers: ClinVar variation 943580 (VCV000943580.17), dbSNP rs764533757, ClinGen allele CA050758.

ClinVar aggregate classification (germline): Conflicting classifications of pathogenicity. Review status: criteria provided, conflicting classifications (1 of 4 stars). 7 submissions from 7 submitters: Uncertain significance (5); Benign (1); Likely benign (1). Last evaluated 2025-09-26.

Conditions:
Tuberous sclerosis syndrome (TSC). Also called: Tuberous sclerosis; Tuberous Sclerosis Complex. Identifiers: Orphanet 805, MedGen C0041341, MONDO:0001734.
Tuberous sclerosis 2 (TSC2). Identifiers: Orphanet 805, MedGen C1860707, MONDO:0013199, OMIM 613254.
TSC2-related disorder. Also called: TSC2-related condition; TSC2-Related Disorders.
Hereditary cancer-predisposing syndrome. Also called: Neoplastic Syndromes, Hereditary; Hereditary Cancer Syndrome; Tumor predisposition; Hereditary neoplastic syndrome. Identifiers: Orphanet 140162, MedGen C0027672, MeSH D009386, MONDO:0015356.

Allele frequency attached by ClinVar (database versions not stated): ExAC 0.00001; gnomAD exomes 0.00001.
gnomAD v4.1: 3 of 1,609,268 alleles (0.00019%); highest among the groups gnomAD compares: Admixed American, 0.005%; no homozygotes.

Submissions (7):

Ambry Genetics
Classification: Uncertain significance for Hereditary cancer-predisposing syndrome. Last evaluated: 2025-09-26. Review status: criteria provided, single submitter. Criteria: Ambry Variant Classification Scheme 2023. Collection method: clinical testing. Allele origin: germline.
Comment: The p.A1428T variant (also known as c.4282G>A), located in coding exon 33 of the TSC2 gene, results from a G to A substitution at nucleotide position 4282. The alanine at codon 1428 is replaced by threonine, an amino acid with similar properties. This amino acid position is conserved. In addition, the in silico prediction for this alteration is inconclusive. Since supporting evidence is limited at this time, the clinical significance of this alteration remains unclear.

PreventionGenetics, part of Exact Sciences
Classification: Uncertain significance for TSC2-related condition. Last evaluated: 2025-05-23. Review status: criteria provided, single submitter. Criteria: ACMG Guidelines, 2015. Collection method: clinical testing. Allele origin: germline.
Comment: The TSC2 c.4282G>A variant is predicted to result in the amino acid substitution p.Ala1428Thr. To our knowledge, this variant has not been reported in the literature. This variant is reported in 0.0089% of alleles in individuals of Latino descent in gnomAD, and has conflicting classifications in ClinVar ranging from benign to uncertain. At this time, the clinical significance of this variant is uncertain due to the absence of conclusive functional and genetic evidence.

Labcorp Genetics (formerly Invitae), Labcorp
Classification: Benign for Tuberous sclerosis 2. Last evaluated: 2025-03-11. Review status: criteria provided, single submitter. Criteria: Invitae Variant Classification Sherloc (09022015). Collection method: clinical testing. Allele origin: germline.

Quest Diagnostics Nichols Institute San Juan Capistrano
Classification: Uncertain significance. Last evaluated: 2025-03-11. Review status: criteria provided, single submitter. Criteria: Quest Diagnostics criteria. Collection method: clinical testing. Allele origin: unknown.

All of Us Research Program, National Institutes of Health
Classification: Likely benign for Tuberous sclerosis syndrome. Last evaluated: 2023-05-16. Review status: criteria provided, single submitter. Criteria: ACMG Guidelines, 2015. Collection method: clinical testing. Allele origin: germline. Inheritance: Autosomal dominant inheritance. Observed: 1 variant allele, 1 heterozygote.
Comment: This study involves interpretation of variants in research participants for the purpose of population health screening. Participant phenotype was not available at the time of variant classification. Additional details can be found in publication PMID: 35346344, PMCID: PMC8962531

Genome-Nilou Lab
Classification: Uncertain significance for Tuberous sclerosis 2. Last evaluated: 2021-11-07. Review status: criteria provided, single submitter. Criteria: ACMG Guidelines, 2015. Collection method: clinical testing. Allele origin: germline. Affected: no.

GeneDx
Classification: Uncertain significance. Last evaluated: 2020-02-10. Review status: criteria provided, single submitter. Criteria: GeneDx Variant Classification Process June 2021. Collection method: clinical testing. Allele origin: germline. Affected: yes.
Comment: In silico analysis supports that this missense variant does not alter protein structure/function; Has not been previously published as pathogenic or benign to our knowledge